The following is an entry in ClinVar:

NM_144670.6(A2ML1):c.536G>A (p.Gly179Asp)

Gene: A2ML1 (alpha-2-macroglobulin like 1; plus strand). Cytogenetic location: 12p13.31.
Variant type: single nucleotide variant.
Coding change: c.536G>A on transcript NM_144670.6 (MANE Select); coding-DNA position 536, G replaced by A.
Protein change: p.Gly179Asp; replaces glycine 179 with aspartic acid.
Molecular consequence: missense variant.
Genome position (GRCh38, 1-based): chr12:8,835,559, G>A. VCF-style: chr12-8835559-G-A. GRCh37 (hg19) VCF-style: chr12-8988155-G-A.
Other names: short protein forms G179D.
Identifiers: ClinVar variation 2564136 (VCV002564136.2), dbSNP rs2539200926, ClinGen allele CA383821348.

ClinVar aggregate classification (germline): Uncertain significance (1 of 4 stars; one submission).

Submission:

Ambry Genetics
Classification: Uncertain significance. Last evaluated: 2023-04-14. Review status: criteria provided, single submitter. Criteria: Ambry Variant Classification Scheme 2023. Collection method: clinical testing. Allele origin: germline.
Comment: The p.G179D variant (also known as c.536G>A), located in coding exon 6 of the A2ML1 gene, results from a G to A substitution at nucleotide position 536. The glycine at codon 179 is replaced by aspartic acid, an amino acid with similar properties. This amino acid position is conserved. In addition, this alteration is predicted to be deleterious by in silico analysis. Since supporting evidence is limited at this time, the clinical significance of this alteration remains unclear.